The following is an entry in ClinVar:

NM_173500.4(TTBK2):c.2050T>C (p.Phe684Leu)

Gene: TTBK2 (tau tubulin kinase 2; minus strand). Cytogenetic location: 15q15.2.
Variant type: single nucleotide variant.
Coding change: c.2050T>C on transcript NM_173500.4 (MANE Select); coding-DNA position 2050, T replaced by C.
Protein change: p.Phe684Leu; replaces phenylalanine 684 with leucine.
Molecular consequence: missense variant.
Genome position (GRCh38, 1-based): chr15:42,753,196, A>G on the plus strand (T>C on the coding strand, the complement: TTBK2 is on the minus strand). VCF-style: chr15-42753196-A-G. GRCh37 (hg19) VCF-style: chr15-43045394-A-G.
Other names: short protein forms F684L.
Identifiers: ClinVar variation 1928882 (VCV001928882.6), dbSNP rs1318501408, ClinGen allele CA392076452.
Genomic context (GRCh38, chr15:42,753,196, plus strand): 5'-GTTCCACAGTGGGCTCCATGGGCTGAAGATCTTTCTTCTCTGGCTGCTGACCACAGTGAA[A>G]GCTTCCTGAAGTTGACTGTGTAGATGCCACAGAAGGTCTAGGAATTGTAATCTGGAGAAG-3'
Protein context (NP_775771.3, residues 674-694): VASTQSTSGS[Phe684Leu]HCGQQPEKKD

ClinVar aggregate classification (germline): Uncertain significance. Review status: criteria provided, multiple submitters, no conflicts (2 of 4 stars). 2 submissions from 2 submitters: Uncertain significance (2). Last evaluated 2024-11-24.

Conditions:
Inborn genetic diseases. Identifiers: MedGen C0950123, MeSH D030342.

Submissions (2):

Ambry Genetics
Classification: Uncertain significance for Inborn genetic diseases. Last evaluated: 2024-11-24. Review status: criteria provided, single submitter. Criteria: Ambry Variant Classification Scheme 2023. Collection method: clinical testing. Allele origin: germline.

Labcorp Genetics (formerly Invitae), Labcorp
Classification: Uncertain significance. Last evaluated: 2022-03-27. Review status: criteria provided, single submitter. Criteria: Invitae Variant Classification Sherloc (09022015). Collection method: clinical testing. Allele origin: germline.
Comment: This sequence change replaces phenylalanine, which is neutral and non-polar, with leucine, which is neutral and non-polar, at codon 684 of the TTBK2 protein (p.Phe684Leu). This variant is not present in population databases (gnomAD no frequency). This variant has not been reported in the literature in individuals affected with TTBK2-related conditions. Algorithms developed to predict the effect of missense changes on protein structure and function are either unavailable or do not agree on the potential impact of this missense change (SIFT: "Deleterious"; PolyPhen-2: "Probably Damaging"; Align-GVGD: "Class C0"). In summary, the available evidence is currently insufficient to determine the role of this variant in disease. Therefore, it has been classified as a Variant of Uncertain Significance.